The following is an entry in ClinVar:

NM_003738.5(PTCH2):c.1991C>T (p.Ala664Val)

Gene: PTCH2 (patched 2; minus strand). Cytogenetic location: 1p34.1.
Variant type: single nucleotide variant.
Coding change: c.1991C>T on transcript NM_003738.5 (MANE Select); coding-DNA position 1991, C replaced by T.
Protein change: p.Ala664Val; replaces alanine 664 with valine.
Molecular consequence: missense variant.
Genome position (GRCh38, 1-based): chr1:44,827,910, G>A on the plus strand (C>T on the coding strand, the complement: PTCH2 is on the minus strand). VCF-style: chr1-44827910-G-A. GRCh37 (hg19) VCF-style: chr1-45293582-G-A.
Other names: c.1991C>T, p.Ala664Val (NM_001166292.2); short protein forms A664V.
Identifiers: ClinVar variation 1396558 (VCV001396558.11), dbSNP rs1461435360, ClinGen allele CA340098799.

ClinVar aggregate classification (germline): Uncertain significance (1 of 4 stars; one submission).

Conditions:
Gorlin syndrome. Also called: Nevoid Basal Cell Carcinoma Syndrome; Basal cell nevus syndrome. Identifiers: Orphanet 377, MedGen C0004779, MONDO:0007187.

Allele frequency attached by ClinVar (database versions not stated): gnomAD 0.00001; gnomAD exomes 0.00001; TOPMed 0.00001.
gnomAD v4.1: 12 of 1,614,088 alleles (0.00074%); highest among the groups gnomAD compares: Non-Finnish European, 0.001%; no homozygotes.

Submission:

Labcorp Genetics (formerly Invitae), Labcorp
Classification: Uncertain significance for Gorlin syndrome. Last evaluated: 2021-05-27. Review status: criteria provided, single submitter. Criteria: Invitae Variant Classification Sherloc (09022015). Collection method: clinical testing. Allele origin: germline.
Comment: In summary, the available evidence is currently insufficient to determine the role of this variant in disease. Therefore, it has been classified as a Variant of Uncertain Significance. Algorithms developed to predict the effect of missense changes on protein structure and function output the following: SIFT: "Deleterious"; PolyPhen-2: "Benign"; Align-GVGD: "Class C0". The valine amino acid residue is found in multiple mammalian species, suggesting that this missense change does not adversely affect protein function. These predictions have not been confirmed by published functional studies and their clinical significance is uncertain. This variant has not been reported in the literature in individuals with PTCH2-related conditions. This variant is not present in population databases (ExAC no frequency). This sequence change replaces alanine with valine at codon 664 of the PTCH2 protein (p.Ala664Val). The alanine residue is moderately conserved and there is a small physicochemical difference between alanine and valine.